The following is an entry in ClinVar:

NM_003480.4(MFAP5):c.410-283G>T

Genes: MFAP5 (microfibril associated protein 5; minus strand), LOC126861443 (BRD4-independent group 4 enhancer GRCh37_chr12:8800473-8801672; plus strand). Cytogenetic location: 12p13.31.
Variant type: single nucleotide variant.
Coding change: c.410-283G>T on transcript NM_003480.4 (MANE Select); 283 bases into the intron before coding-DNA position 410, G replaced by T.
Molecular consequence: intron variant.
Genome position (GRCh38, 1-based): chr12:8,648,486, C>A on the plus strand (G>T on the coding strand, the complement: MFAP5 is on the minus strand). VCF-style: chr12-8648486-C-A. GRCh37 (hg19) VCF-style: chr12-8801082-C-A.
Other names: c.344-283G>T (NM_001297710.2); c.335-283G>T (NM_001297711.2); c.218-283G>T (NM_001297712.2); c.380-283G>T (NM_001297709.2).
Identifiers: ClinVar variation 669640 (VCV000669640.2), dbSNP rs11611870, ClinGen allele CA15732270.

ClinVar aggregate classification (germline): Benign. Review status: criteria provided, multiple submitters, no conflicts (2 of 4 stars). 2 submissions from 2 submitters: Benign (2). Last evaluated 2018-06-14.

Allele frequency attached by ClinVar (database versions not stated): 1000 Genomes Project 30x 0.00609; 1000 Genomes Project 0.00719; TOPMed 0.01376; gnomAD 0.01924 and 0.02006; gnomAD exomes 0.02423.

Submissions (2):

GeneDx
Classification: Benign. Last evaluated: 2018-06-14. Review status: criteria provided, single submitter. Criteria: GeneDx Variant Classification (06012015). Collection method: clinical testing. Allele origin: germline. Affected: yes.
Comment: This variant is considered likely benign or benign based on one or more of the following criteria: it is a conservative change, it occurs at a poorly conserved position in the protein, it is predicted to be benign by multiple in silico algorithms, and/or has population frequency not consistent with disease.

Breakthrough Genomics
Classification: Benign. Review status: criteria provided, single submitter. Criteria: ACMG Guidelines, 2015. Collection method: not provided. Allele origin: germline. Inheritance: Autosomal dominant inheritance. Affected: yes.